The following is an entry in ClinVar:

NM_020738.4(KIDINS220):c.5001G>T (p.Trp1667Cys)

Gene: KIDINS220 (kinase D interacting substrate 220; minus strand). Cytogenetic location: 2p25.1.
Variant type: single nucleotide variant.
Coding change: c.5001G>T on transcript NM_020738.4 (MANE Select); coding-DNA position 5001, G replaced by T.
Protein change: p.Trp1667Cys; replaces tryptophan 1667 with cysteine.
Molecular consequence: missense variant. On other transcripts: intron variant (6).
Genome position (GRCh38, 1-based): chr2:8,731,035, C>A on the plus strand (G>T on the coding strand, the complement: KIDINS220 is on the minus strand). VCF-style: chr2-8731035-C-A. GRCh37 (hg19) VCF-style: chr2-8871165-C-A.
Other names: c.5004G>T, p.Trp1668Cys (NM_001348729.2); c.4947G>T, p.Trp1649Cys (NM_001348731.2); c.4944G>T, p.Trp1648Cys (NM_001348732.2); c.4833G>T, p.Trp1611Cys (NM_001348734.2); c.4830G>T, p.Trp1610Cys (NM_001348735.2); c.4704G>T, p.Trp1568Cys (NM_001348736.2); c.3882+2409G>T (NM_001348741.2, NM_001348742.2, NM_001348743.2); c.3996+2409G>T (NM_001348738.2); and 1 more; short protein forms W1568C, W1610C, W1611C, W1648C, W1649C, W1667C, W1668C.
Identifiers: ClinVar variation 1712226 (VCV001712226.2), dbSNP rs2527393899, ClinGen allele CA345762172.

ClinVar aggregate classification (germline): Uncertain significance (1 of 4 stars; one submission).

Submission:

GeneDx
Classification: Uncertain significance. Last evaluated: 2022-04-18. Review status: criteria provided, single submitter. Criteria: GeneDx Variant Classification Process June 2021. Collection method: clinical testing. Allele origin: germline. Affected: yes.
Comment: Not observed at significant frequency in large population cohorts (gnomAD); In silico analysis supports that this missense variant has a deleterious effect on protein structure/function; Has not been previously published as pathogenic or benign to our knowledge